The following is an entry in ClinVar:

ClinVar aggregate classification (germline): Pathogenic (1 of 4 stars; one submission).

Conditions:
Hypertrophic cardiomyopathy. Also called: HYPERTROPHIC MYOCARDIOPATHY. Identifiers: Orphanet 217569, MedGen C0007194, MeSH D002312, MONDO:0005045, HP:0001639.

Submission:

Labcorp Genetics (formerly Invitae), Labcorp
Classification: Pathogenic for Hypertrophic cardiomyopathy. Last evaluated: 2024-02-18. Review status: criteria provided, single submitter. Criteria: Invitae Variant Classification Sherloc (09022015). Collection method: clinical testing. Allele origin: germline.
Comment: This sequence change creates a premature translational stop signal (p.Cys249Alafs*51) in the MYBPC3 gene. It is expected to result in an absent or disrupted protein product. Loss-of-function variants in MYBPC3 are known to be pathogenic (PMID: 19574547). This variant is not present in population databases (gnomAD no frequency). This variant has not been reported in the literature in individuals affected with MYBPC3-related conditions. For these reasons, this variant has been classified as Pathogenic.

Literature cited by the submitters: PubMed 19574547.

NM_000256.3(MYBPC3):c.745del (p.Cys249fs)

Gene: MYBPC3 (myosin binding protein C3; minus strand). Cytogenetic location: 11p11.2.
Variant type: Deletion.
Coding change: c.745del on transcript NM_000256.3 (MANE Select); coding-DNA position 745, one base deleted (T; older notation c.745delT).
Protein change: p.Cys249fs; shifts the reading frame from cysteine 249.
Molecular consequence: frameshift variant.
Genome position (GRCh38, 1-based): chr11:47,348,451, A deleted on the plus strand (T on the coding strand, the reverse complement: MYBPC3 is on the minus strand). VCF-style (leftmost placement, unchanged base first): chr11-47348450-CA-C. GRCh37 (hg19) VCF-style: chr11-47370001-CA-C.
Other names: short protein forms C249fs.
Identifiers: ClinVar variation 3641840 (VCV003641840.2).
Genomic context (GRCh38, chr11:47,348,450, plus strand): 5'-CCCGAGCCCAGGACAGACACCAGGGCCCCCTCACCGTGGACAGTGAGATTGAAGTTGGAG[CA>C]GTCAAATTTGTCCTTGGTGGACACCTCACAGCGGTAGCTGCCAGTGAAGGCAGGCTGGGC-3'